The following is an entry in ClinVar:

NG_016465.4:g.18346T>G

Genes: CFTR (CF transmembrane conductance regulator; plus strand), LOC111674463 (CFTR promoter region; plus strand). Cytogenetic location: 7q31.2.
Variant type: single nucleotide variant.
Genome position: GRCh38 VCF-style: chr7-117479129-T-G. GRCh37 (hg19) VCF-style: chr7-117119183-T-G.
Identifiers: ClinVar variation 818101 (VCV000818101.1), dbSNP rs4148682, ClinGen allele CA164948198.

ClinVar aggregate classification (germline): Benign (1 of 4 stars; one submission).

Conditions:
Cystic fibrosis (CF). Also called: MUCOVISCIDOSIS. Identifiers: Orphanet 586, MedGen C0010674, MONDO:0009061, OMIM 219700. Disease mechanism: loss of function.

Allele frequency attached by ClinVar (database versions not stated): 1000 Genomes Project 30x 0.21611; gnomAD 0.10044 and 0.11222; TOPMed 0.11803; 1000 Genomes Project 0.22384.

Submission:

CFTR-France
Classification: Benign for cystic fibrosis. Last evaluated: 2015-07-17. Review status: criteria provided, single submitter. Criteria: Claustres M et al. (Hum Mutat 2017). Collection method: curation. Allele origin: germline. Affected: no.
Comment: the variant does not result in CFTR-RD neither